The following is an entry in ClinVar:

NM_001164665.2(KIAA1549):c.3649G>A (p.Ala1217Thr)

Gene: KIAA1549 (KIAA1549; minus strand). Cytogenetic location: 7q34.
Variant type: single nucleotide variant.
Coding change: c.3649G>A on transcript NM_001164665.2 (MANE Select); coding-DNA position 3649, G replaced by A.
Protein change: p.Ala1217Thr; replaces alanine 1217 with threonine.
Molecular consequence: missense variant.
Genome position (GRCh38, 1-based): chr7:138,903,608, C>T on the plus strand (G>A on the coding strand, the complement: KIAA1549 is on the minus strand). VCF-style: chr7-138903608-C-T. GRCh37 (hg19) VCF-style: chr7-138588354-C-T.
Other names: c.3649G>A, p.Ala1217Thr (NM_020910.3); short protein forms A1217T.
Identifiers: ClinVar variation 1382392 (VCV001382392.8), dbSNP rs756135808, ClinGen allele CA369382008.

ClinVar aggregate classification (germline): Uncertain significance (1 of 4 stars; one submission).

Submission:

Labcorp Genetics (formerly Invitae), Labcorp
Classification: Uncertain significance. Last evaluated: 2021-03-26. Review status: criteria provided, single submitter. Criteria: Invitae Variant Classification Sherloc (09022015). Collection method: clinical testing. Allele origin: germline.
Comment: In summary, the available evidence is currently insufficient to determine the role of this variant in disease. Therefore, it has been classified as a Variant of Uncertain Significance. Algorithms developed to predict the effect of missense changes on protein structure and function are either unavailable or do not agree on the potential impact of this missense change (SIFT: "Deleterious"; PolyPhen-2: "Probably Damaging"; Align-GVGD: "Class C0"). This variant has not been reported in the literature in individuals with KIAA1549-related conditions. This variant is not present in population databases (ExAC no frequency). This sequence change replaces alanine with threonine at codon 1217 of the KIAA1549 protein (p.Ala1217Thr). The alanine residue is highly conserved and there is a small physicochemical difference between alanine and threonine.